The following is an entry in ClinVar:

ClinVar aggregate classification (germline): Uncertain significance (1 of 4 stars; one submission).

Conditions:
COG1 congenital disorder of glycosylation (CDG2G). Also called: CONGENITAL DISORDER OF GLYCOSYLATION, TYPE IIg; CDG IIg; CDGII/COG1 CEREBROCOSTOMANDIBULAR-LIKE SYNDROME. Identifiers: Orphanet 263508, MedGen C2931011, MONDO:0012637, OMIM 611209.

Allele frequency attached by ClinVar (database versions not stated): gnomAD 0.00003; ExAC 0.00007.
gnomAD v4.1: 50 of 1,613,756 alleles (0.0031%); highest among the groups gnomAD compares: East Asian, 0.051%; 1 homozygote.

Submission:

Labcorp Genetics (formerly Invitae), Labcorp
Classification: Uncertain significance for COG1 congenital disorder of glycosylation. Last evaluated: 2022-05-17. Review status: criteria provided, single submitter. Criteria: Invitae Variant Classification Sherloc (09022015). Collection method: clinical testing. Allele origin: germline.
Comment: This sequence change replaces arginine, which is basic and polar, with glutamine, which is neutral and polar, at codon 831 of the COG1 protein (p.Arg831Gln). This variant is present in population databases (rs778718320, gnomAD 0.1%). This variant has not been reported in the literature in individuals affected with COG1-related conditions. Algorithms developed to predict the effect of missense changes on protein structure and function are either unavailable or do not agree on the potential impact of this missense change (SIFT: "Deleterious"; PolyPhen-2: "Possibly Damaging"; Align-GVGD: "Class C0"). In summary, the available evidence is currently insufficient to determine the role of this variant in disease. Therefore, it has been classified as a Variant of Uncertain Significance.

NM_018714.3(COG1):c.2492G>A (p.Arg831Gln)

Gene: COG1 (component of oligomeric golgi complex 1; plus strand). Cytogenetic location: 17q25.1.
Variant type: single nucleotide variant.
Coding change: c.2492G>A on transcript NM_018714.3 (MANE Select); coding-DNA position 2492, G replaced by A.
Protein change: p.Arg831Gln; replaces arginine 831 with glutamine.
Molecular consequence: missense variant.
Genome position (GRCh38, 1-based): chr17:73,205,662, G>A. VCF-style: chr17-73205662-G-A. GRCh37 (hg19) VCF-style: chr17-71201801-G-A.
Other names: short protein forms R831Q.
Identifiers: ClinVar variation 2140781 (VCV002140781.1), dbSNP rs778718320, ClinGen allele CA8740484.
Genomic context (GRCh38, chr17:73,205,662, plus strand): 5'-ATGATCTGCGTTACCTCAACATTGTTCTGACAGCCAAGGGTGACGAGGTGAAGAGTGGCC[G>A]GAGCAAGCCAGACTCCAGGTGTCGTATCCTCTAGGGAGCTATGTCAAGGCGGTCTCTTCC-3'
Protein context (NP_061184.1, residues 821-841): TAKGDEVKSG[Arg831Gln]SKPDSRIEKV